The following is an entry in ClinVar:

NM_000083.3(CLCN1):c.2087G>A (p.Gly696Glu)

Genes: CLCN1 (chloride voltage-gated channel 1; plus strand), LOC123956257 (Sharpr-MPRA regulatory region 4117; plus strand). Cytogenetic location: 7q34.
Variant type: single nucleotide variant.
Coding change: c.2087G>A on transcript NM_000083.3 (MANE Select); coding-DNA position 2087, G replaced by A.
Protein change: p.Gly696Glu; replaces glycine 696 with glutamic acid.
Molecular consequence: missense variant. On other transcripts: non-coding transcript variant (1).
Genome position (GRCh38, 1-based): chr7:143,345,677, G>A. VCF-style: chr7-143345677-G-A. GRCh37 (hg19) VCF-style: chr7-143042770-G-A.
Other names: short protein forms G696E.
Identifiers: ClinVar variation 941031 (VCV000941031.9), dbSNP rs1243583996, ClinGen allele CA369650321.

ClinVar aggregate classification (germline): Uncertain significance. Review status: criteria provided, multiple submitters, no conflicts (2 of 4 stars). 2 submissions from 2 submitters: Uncertain significance (2). Last evaluated 2023-07-26.

Conditions:
Congenital myotonia, autosomal dominant form (THD). Also called: THOMSEN DISEASE; Myotonia congenita autosomal dominant. Identifiers: Orphanet 614, MedGen C2936781, MONDO:0008055, OMIM 160800.
Congenital myotonia, autosomal recessive form. Also called: Becker Generalized Myotonia; myotonia congenita, autosomal recessive; BECKER DISEASE. Identifiers: Orphanet 614, MedGen C0751360, MONDO:0009715, OMIM 255700.

Allele frequency attached by ClinVar (database versions not stated): TOPMed below 0.00001; gnomAD exomes 0.00001 and 0.00002.
gnomAD v4.1: 5 of 1,556,544 alleles (0.00032%); highest among the groups gnomAD compares: Admixed American, 0.0078%; no homozygotes.

Submissions (2):

GeneDx
Classification: Uncertain significance. Last evaluated: 2023-07-26. Review status: criteria provided, single submitter. Criteria: GeneDx Variant Classification Process June 2021. Collection method: clinical testing. Allele origin: germline. Affected: yes.
Comment: Not observed at significant frequency in large population cohorts (gnomAD); In silico analysis supports that this missense variant does not alter protein structure/function; Has not been previously published as pathogenic or benign to our knowledge

Labcorp Genetics (formerly Invitae), Labcorp
Classification: Uncertain significance for Congenital myotonia, autosomal recessive form; Congenital myotonia, autosomal dominant form. Last evaluated: 2019-09-11. Review status: criteria provided, single submitter. Criteria: Invitae Variant Classification Sherloc (09022015). Collection method: clinical testing. Allele origin: germline.
Comment: In summary, the available evidence is currently insufficient to determine the role of this variant in disease. Therefore, it has been classified as a Variant of Uncertain Significance. Algorithms developed to predict the effect of missense changes on protein structure and function output the following: SIFT: "Tolerated"; PolyPhen-2: "Benign"; Align-GVGD: "Class C0". The glutamic acid amino acid residue is found in multiple mammalian species, suggesting that this missense change does not adversely affect protein function. These predictions have not been confirmed by published functional studies and their clinical significance is uncertain. This variant has not been reported in the literature in individuals with CLCN1-related conditions. The frequency data for this variant in the population databases is considered unreliable, as metrics indicate insufficient coverage at this position in the ExAC database. This sequence change replaces glycine with glutamic acid at codon 696 of the CLCN1 protein (p.Gly696Glu). The glycine residue is weakly conserved and there is a moderate physicochemical difference between glycine and glutamic acid.